The following is an entry in ClinVar:

ClinVar aggregate classification (germline): Uncertain significance (1 of 4 stars; one submission).

Conditions:
Cardiovascular phenotype. Identifiers: MedGen CN230736.

Submission:

Ambry Genetics
Classification: Uncertain significance for Cardiovascular phenotype. Last evaluated: 2023-02-25. Review status: criteria provided, single submitter. Criteria: Ambry Variant Classification Scheme 2023. Collection method: clinical testing. Allele origin: germline.
Comment: The p.E303A variant (also known as c.908A>C), located in coding exon 1 of the FOXE3 gene, results from an A to C substitution at nucleotide position 908. The glutamic acid at codon 303 is replaced by alanine, an amino acid with dissimilar properties. This amino acid position is conserved. In addition, this alteration is predicted to be tolerated by in silico analysis. Since supporting evidence is limited at this time, the clinical significance of this alteration remains unclear.

NM_012186.3(FOXE3):c.908A>C (p.Glu303Ala)

Genes: LINC01389 (long intergenic non-protein coding RNA 1389; minus strand), FOXE3 (forkhead box E3; plus strand). Cytogenetic location: 1p33.
Variant type: single nucleotide variant.
Coding change: c.908A>C on transcript NM_012186.3 (MANE Select); coding-DNA position 908, A replaced by C.
Protein change: p.Glu303Ala; replaces glutamic acid 303 with alanine.
Molecular consequence: missense variant.
Genome position (GRCh38, 1-based): chr1:47,417,223, A>C. VCF-style: chr1-47417223-A-C. GRCh37 (hg19) VCF-style: chr1-47882895-A-C.
Other names: short protein forms E303A.
Identifiers: ClinVar variation 2448367 (VCV002448367.2), dbSNP rs2124044980, ClinGen allele CA340251025.